The following is an entry in ClinVar:

ClinVar aggregate classification (germline): Likely pathogenic. Review status: criteria provided, single submitter (1 of 4 stars). 2 submissions from 2 submitters: Likely pathogenic (1). 1 of the submissions does not count toward it. Last evaluated 2026-02-04.

Conditions:
Abnormal heart morphology. Also called: Heart, malformation of; Abnormality of cardiac morphology. Identifiers: MedGen C0018798, MeSH D006330, HP:0001627.

Allele frequency attached by ClinVar (database versions not stated): TOPMed below 0.00001.

Submissions (2):

GeneDx
Classification: Likely pathogenic. Last evaluated: 2026-02-04. Review status: criteria provided, single submitter. Criteria: GeneDx Variant Classification Process June 2021. Collection method: clinical testing. Allele origin: germline.
Comment: Not observed at significant frequency in large population cohorts (gnomAD); In silico analysis supports that this missense variant has a deleterious effect on protein structure/function; This variant is associated with the following publications: (PMID: 33004838, 32368696, 32396742, 39323550)

Yale Center for Mendelian Genomics, Yale University
Classification: association for Abnormal heart morphology. Last evaluated: 2020-06-13. Review status: no assertion criteria provided. Collection method: literature only. Allele origin: de novo. Affected: yes. Observed: 1 heterozygote. Study: Yale Center for Mendelian Genomics. Not counted in ClinVar's aggregate classification.

Literature cited by the submitters: PubMed 32396742 (cited by Yale Center for Mendelian Genomics, Yale University).

NM_004606.5(TAF1):c.2873C>T (p.Thr958Met)

Gene: TAF1 (TATA-box binding protein associated factor 1; plus strand). Cytogenetic location: Xq13.1.
Variant type: single nucleotide variant.
Coding change: c.2873C>T on transcript NM_004606.5 (MANE Select); coding-DNA position 2873, C replaced by T.
Protein change: p.Thr958Met; replaces threonine 958 with methionine.
Molecular consequence: missense variant. On other transcripts: non-coding transcript variant (9).
Genome position (GRCh38, 1-based): chrX:71,392,660, C>T. VCF-style: chrX-71392660-C-T. GRCh37 (hg19) VCF-style: chrX-70612510-C-T.
Other names: c.2873C>T, p.Thr958Met (NM_001286074.2); c.2810C>T, p.Thr937Met (NM_138923.4); short protein forms T937M, T958M.
Identifiers: ClinVar variation 1344722 (VCV001344722.3), dbSNP rs2034628748, ClinGen allele CA413524929.